The following is an entry in ClinVar:

ClinVar aggregate classification (germline): Likely benign (1 of 4 stars; one submission).

gnomAD v4.1: 120 of 1,614,082 alleles (0.0074%); highest among the groups gnomAD compares: Admixed American, 0.2%; no homozygotes.

Submission:

CeGaT Center for Human Genetics Tuebingen
Classification: Likely benign. Last evaluated: 2026-09-01. Review status: criteria provided, single submitter. Criteria: CeGaT Center For Human Genetics Tuebingen Variant Classification Criteria Version 2. Collection method: clinical testing. Allele origin: germline. Affected: yes. Observed: 3 variant alleles.
Comment: MN1: BP4, BP7

NM_002430.3(MN1):c.81A>G (p.Gly27=)

Gene: MN1 (MN1 proto-oncogene, transcriptional regulator; minus strand). Cytogenetic location: 22q12.1.
Variant type: single nucleotide variant.
Coding change: c.81A>G on transcript NM_002430.3 (MANE Select); coding-DNA position 81, A replaced by G.
Protein change: p.Gly27=; no amino-acid change (glycine 27 retained).
Molecular consequence: synonymous variant.
Genome position (GRCh38, 1-based): chr22:27,800,463, T>C on the plus strand (A>G on the coding strand, the complement: MN1 is on the minus strand). VCF-style: chr22-27800463-T-C. GRCh37 (hg19) VCF-style: chr22-28196451-T-C.
Identifiers: ClinVar variation 4821893 (VCV004821893.4).
Genomic context (GRCh38, chr22:27,800,463, plus strand): 5'-AGGGCCAGGGGGCCCCCCAGTGTGGAAAGCCGGGGCCTTAAAGTGGGTGTTCATGCTCAG[T>C]CCGGTCTCGTTAAAGTTCCTCTCGCCCTGGCCAGCGTTCCTGCTGTTGACCTGGGGCTCG-3'
Protein context (NP_002421.3, residues 17-37): GQGERNFNET[Gly27=]LSMNTHFKAP